The following is an entry in ClinVar:

ClinVar aggregate classification (germline): Benign/Likely benign. Review status: criteria provided, multiple submitters, no conflicts (2 of 4 stars). 14 submissions from 14 submitters: Benign (5); Likely benign (4). 5 of the submissions do not count toward it. Last evaluated 2026-02-03.

Conditions:
Becker muscular dystrophy (BMD). Also called: MUSCULAR DYSTROPHY, PSEUDOHYPERTROPHIC PROGRESSIVE, BECKER TYPE; Becker Muscular Dystrophy (BMD). Identifiers: Orphanet 98895, MedGen C0917713, MONDO:0010311, OMIM 300376.
Duchenne muscular dystrophy (DMD). Also called: Duchenne Muscular Dystrophy (DMD); MUSCULAR DYSTROPHY, PSEUDOHYPERTROPHIC PROGRESSIVE, DUCHENNE TYPE. Identifiers: Orphanet 98896, MedGen C0013264, MONDO:0010679, OMIM 310200.
Cardiomyopathy (CMYO). Also called: Cardiomyopathies. Identifiers: Orphanet 167848, MedGen C0878544, MONDO:0004994, HP:0001638. Inheritance: Various modes of inheritance.
Dystrophin deficiency.
DMD-related disorder. Also called: DMD-related condition.
Cardiovascular phenotype. Identifiers: MedGen CN230736.
Dilated cardiomyopathy 3B (CMD3B). Also called: CMD3B: DMD-Related Dilated Cardiomyopathy; CARDIOMYOPATHY, DILATED, X-LINKED; DMD-Associated Dilated Cardiomyopathy. Identifiers: Orphanet 154, MedGen C3668940, MONDO:0010542, OMIM 302045.

Allele frequency attached by ClinVar (database versions not stated): 1000 Genomes Project 30x 0.00021; 1000 Genomes Project 0.00026; ESP Exome Variant Server 0.00123; TOPMed 0.00129; gnomAD exomes 0.00141 and 0.00151; ExAC 0.00148; gnomAD 0.00150 and 0.00153.
gnomAD v4.1: 1,746 of 1,208,177 alleles (0.14%); highest among the groups gnomAD compares: Non-Finnish European, 0.16%; 3 homozygotes.

Submissions (14):

Labcorp Genetics (formerly Invitae), Labcorp
Classification: Benign for Duchenne muscular dystrophy. Last evaluated: 2026-02-03. Review status: criteria provided, single submitter. Criteria: Invitae Variant Classification Sherloc (09022015). Collection method: clinical testing. Allele origin: germline.

Blueprint Genetics
Classification: Benign. Last evaluated: 2024-11-25. Review status: criteria provided, single submitter. Criteria: ACMG Guidelines, 2015. Collection method: clinical testing. Allele origin: germline.

Women's Health and Genetics/Laboratory Corporation of America, LabCorp
Classification: Benign. Last evaluated: 2024-02-04. Review status: criteria provided, single submitter. Criteria: LabCorp Variant Classification Summary - May 2015. Collection method: clinical testing. Allele origin: germline.

Genetic Services Laboratory, University of Chicago
Classification: Likely benign. Last evaluated: 2018-05-18. Review status: criteria provided, single submitter. Criteria: ACMG Guidelines, 2015. Collection method: clinical testing. Allele origin: germline. Affected: no.

Illumina Laboratory Services, Illumina
Classification: Likely benign for Dilated cardiomyopathy 3B. Last evaluated: 2018-01-13. Review status: criteria provided, single submitter. Criteria: ICSL Variant Classification Criteria 13 December 2019. Collection method: clinical testing. Allele origin: germline.
Comment: This variant was observed in the ICSL laboratory as part of a predisposition screen in an ostensibly healthy population. It had not been previously curated by ICSL or reported in the Human Gene Mutation Database (HGMD: prior to June 1st, 2018), and was therefore a candidate for classification through an automated scoring system. Utilizing variant allele frequency, disease prevalence and penetrance estimates, and inheritance mode, an automated score was calculated to assess if this variant is too frequent to cause the disease. Based on the score and internal cut-off values, a variant classified as likely benign is not then subjected to further curation. The score for this variant resulted in a classification of likely benign for this disease.

Ambry Genetics
Classification: Likely benign for Cardiovascular phenotype. Last evaluated: 2016-04-26. Review status: criteria provided, single submitter. Criteria: Ambry Variant Classification Scheme 2023. Collection method: clinical testing. Allele origin: germline.

GeneDx
Classification: Benign. Last evaluated: 2014-03-10. Review status: criteria provided, single submitter. Criteria: GeneDx Variant Classification (06012015). Collection method: clinical testing. Allele origin: germline. Affected: yes.
Comment: This variant is considered likely benign or benign based on one or more of the following criteria: it is a conservative change, it occurs at a poorly conserved position in the protein, it is predicted to be benign by multiple in silico algorithms, and/or has population frequency not consistent with disease.

Eurofins Ntd Llc (ga)
Classification: Benign. Last evaluated: 2013-05-02. Review status: criteria provided, single submitter. Criteria: EGL Classification Definitions 2015. Collection method: clinical testing. Allele origin: germline. Observed: 3 variant alleles, 1 homozygote, 2 hemizygotes.

Breakthrough Genomics
Classification: Likely benign. Review status: criteria provided, single submitter. Criteria: ACMG Guidelines, 2015. Collection method: not provided. Allele origin: germline. Inheritance: X-linked inheritance. Affected: yes.

PreventionGenetics, part of Exact Sciences
Classification: Likely benign for DMD-related condition. Last evaluated: 2020-03-16. Review status: no assertion criteria provided. Collection method: clinical testing. Allele origin: germline. Not counted in ClinVar's aggregate classification.
Comment: This variant is classified as likely benign based on ACMG/AMP sequence variant interpretation guidelines (Richards et al. 2015 PMID: 25741868, with internal and published modifications).

Natera, Inc.
Classification: Likely benign for Becker muscular dystrophy; Cardiomyopathy; Duchenne muscular dystrophy; Dystrophin deficiency. Last evaluated: 2017-10-16. Review status: no assertion criteria provided. Collection method: clinical testing. Allele origin: germline. Not counted in ClinVar's aggregate classification.

Clinical Genetics DNA and cytogenetics Diagnostics Lab, Erasmus MC, Erasmus Medical Center
Classification: Likely benign. Review status: no assertion criteria provided. Collection method: clinical testing. Allele origin: germline. Affected: yes. Study: VKGL Data-share Consensus. Not counted in ClinVar's aggregate classification.

Diagnostic Laboratory, Department of Genetics, University Medical Center Groningen
Classification: Likely benign. Review status: no assertion criteria provided. Collection method: clinical testing. Allele origin: germline. Affected: yes. Study: VKGL Data-share Consensus. Not counted in ClinVar's aggregate classification.

Genome Diagnostics Laboratory, University Medical Center Utrecht
Classification: Benign. Review status: no assertion criteria provided. Collection method: clinical testing. Allele origin: germline. Affected: yes. Study: VKGL Data-share Consensus. Not counted in ClinVar's aggregate classification.

NM_004006.3(DMD):c.8571T>C (p.Thr2857=)

Gene: DMD (dystrophin; minus strand). Cytogenetic location: Xp21.2.
Variant type: single nucleotide variant.
Coding change: c.8571T>C on transcript NM_004006.3 (MANE Select); coding-DNA position 8571, T replaced by C.
Protein change: p.Thr2857=; no amino-acid change (threonine 2857 retained).
Molecular consequence: synonymous variant.
Genome position (GRCh38, 1-based): chrX:31,479,080, A>G on the plus strand (T>C on the coding strand, the complement: DMD is on the minus strand). VCF-style: chrX-31479080-A-G. GRCh37 (hg19) VCF-style: chrX-31497197-A-G.
Other names: p.T2857T:ACT>ACC; c.8547T>C, p.Thr2849= (NM_000109.4); c.8559T>C, p.Thr2853= (NM_004009.3); c.8202T>C, p.Thr2734= (NM_004010.3); c.4548T>C, p.Thr1516= (NM_004011.4); c.4539T>C, p.Thr1513= (NM_004012.4); c.1191T>C, p.Thr397= (NM_004013.3, NM_004020.4, NM_004021.3 and 2 more transcripts); c.384T>C, p.Thr128= (NM_004014.3).
Identifiers: ClinVar variation 94809 (VCV000094809.31), dbSNP rs72466570, ClinGen allele CA285616.